The following is an entry in ClinVar:

NM_033028.5(BBS4):c.469del (p.Gln157fs)

Gene: BBS4 (Bardet-Biedl syndrome 4; plus strand). Cytogenetic location: 15q24.1.
Variant type: Deletion.
Coding change: c.469del on transcript NM_033028.5 (MANE Select); coding-DNA position 469, one base deleted (C; older notation c.469delC).
Protein change: p.Gln157fs; shifts the reading frame from glutamine 157.
Molecular consequence: frameshift variant. On other transcripts: 5 prime UTR variant (1), non-coding transcript variant (2).
Genome position (GRCh38, 1-based): chr15:72,724,537, C deleted; the last of 2 consecutive C bases (chr15:72,724,536-72,724,537); deleting either gives the same sequence. VCF-style (leftmost placement, unchanged base first): chr15-72724535-AC-A. GRCh37 (hg19) VCF-style: chr15-73016876-AC-A.
Other names: c.-48del (NM_001252678.2); c.469del, p.Gln157fs (NM_001320665.2); short protein forms Q157fs.
Identifiers: ClinVar variation 2714314 (VCV002714314.3), dbSNP rs2542973598, ClinGen allele CA2697549175.

ClinVar aggregate classification (germline): Pathogenic (1 of 4 stars; one submission).

Conditions:
Bardet-Biedl syndrome (BBS). Identifiers: Orphanet 110, MedGen C0752166, MONDO:0015229.

Submission:

Labcorp Genetics (formerly Invitae), Labcorp
Classification: Pathogenic for Bardet-Biedl syndrome. Last evaluated: 2024-01-31. Review status: criteria provided, single submitter. Criteria: Invitae Variant Classification Sherloc (09022015). Collection method: clinical testing. Allele origin: germline.
Comment: This sequence change creates a premature translational stop signal (p.Gln157Serfs*6) in the BBS4 gene. It is expected to result in an absent or disrupted protein product. Loss-of-function variants in BBS4 are known to be pathogenic (PMID: 11381270, 12016587, 20177705, 27894351). This variant is not present in population databases (gnomAD no frequency). This variant has not been reported in the literature in individuals affected with BBS4-related conditions. For these reasons, this variant has been classified as Pathogenic.

Literature cited by the submitters: PubMed 11381270; PubMed 12016587; PubMed 20177705; PubMed 27894351.